The following is an entry in ClinVar:

NM_001111067.4(ACVR1):c.983G>A (p.Gly328Glu)

Gene: ACVR1 (activin A receptor type 1; minus strand). Cytogenetic location: 2q24.1.
Variant type: single nucleotide variant.
Coding change: c.983G>A on transcript NM_001111067.4 (MANE Select); coding-DNA position 983, G replaced by A.
Protein change: p.Gly328Glu; replaces glycine 328 with glutamic acid.
Molecular consequence: missense variant.
Genome position (GRCh38, 1-based): chr2:157,766,004, C>T on the plus strand (G>A on the coding strand, the complement: ACVR1 is on the minus strand). VCF-style: chr2-157766004-C-T. GRCh37 (hg19) VCF-style: chr2-158622516-C-T.
Other names: c.983G>A, p.Gly328Glu (NM_001105.5, NM_001347663.1, NM_001347664.1 and 3 more transcripts); short protein forms G328E.
Identifiers: ClinVar variation 29595 (VCV000029595.10), dbSNP rs387906589, ClinGen allele CA128482.

ClinVar aggregate classification (germline): Pathogenic/Likely pathogenic. Review status: criteria provided, multiple submitters, no conflicts (2 of 4 stars). 5 submissions from 5 submitters: Pathogenic (3); Likely pathogenic (1). 1 of the submissions does not count toward it. Last evaluated 2023-07-21.
ClinVar aggregate classification (somatic clinical impact): Tier I - Strong. Review status: criteria provided, single submitter (1 of 4 stars). 2 submissions from 1 submitter. 1 of the submissions does not count toward it. Last evaluated 2023-01-29.

Conditions:
Inborn genetic diseases. Identifiers: MedGen C0950123, MeSH D030342.
Progressive myositis ossificans (FOP). Also called: Fibrodysplasia Ossificans Progressiva; Progressive ossifying myositis; Myositis ossificans progressiva. Identifiers: Orphanet 337, MedGen C0016037, MONDO:0007606, OMIM 135100.
Ependymoma. Also called: Ependymoma, familial; Clear cell ependymoma (histologic variant); Papillary ependymoma (histologic variant); Cellular ependymoma (histologic variant); Tanycytic ependymoma (histologic variant). Identifiers: Orphanet 251636, MedGen C0014474, MeSH D004806, MONDO:0016698, HP:0002888.
Diffuse midline glioma, H3 K27M-mutant. Identifiers: MedGen C4289688, MONDO:0957196.

Submissions (7):

Institute for Genomic Medicine (IGM) Clinical Laboratory, Nationwide Children's Hospital
Classification: Tier II - Potential for Ependymoma. Assertion type: diagnostic. Clinical significance: supports diagnosis. Last evaluated: 2024-05-09. Review status: criteria provided, single submitter. Criteria: AMP/ASCO/CAP Guidelines, 2017. Collection method: clinical testing. Allele origin: somatic. Affected: yes. Not counted in ClinVar's aggregate classification.
Comment: Variant has Tier II (potential) clinical significance as a diagnostic inclusion criterion in ependymoma, based on the following evidence: 1) Documented in one or more cancer databases (e.g., St. Jude Pecan, COSMIC, CIViC, OncoKB). 2) Information in the literature supports potential biologic effect of variant (PMIDs: 24705254, 30833574). 3) Diagnostic significance based on multiple small studies (Evidence Level C; PMID: 35587280).

GeneDx
Classification: Pathogenic. Last evaluated: 2023-07-21. Review status: criteria provided, single submitter. Criteria: GeneDx Variant Classification Process June 2021. Collection method: clinical testing. Allele origin: germline. Affected: yes.
Comment: Not observed at significant frequency in large population cohorts (gnomAD); Published functional studies suggest a damaging effect through an increase in receptor activation and BMP ligand-independent signaling (PMID: 29307777); In silico analysis supports that this missense variant has a deleterious effect on protein structure/function; This variant is associated with the following publications: (PMID: 22977237, 19085907, 19330033, 31216405, 31012264, 33973349, 7068725, 29307777)

Labcorp Genetics (formerly Invitae), Labcorp
Classification: Pathogenic. Last evaluated: 2023-05-11. Review status: criteria provided, single submitter. Criteria: Invitae Variant Classification Sherloc (09022015). Collection method: clinical testing. Allele origin: germline.
Comment: For these reasons, this variant has been classified as Pathogenic. Experimental studies have shown that this missense change affects ACVR1 function (PMID: 29307777). This sequence change replaces glycine, which is neutral and non-polar, with glutamic acid, which is acidic and polar, at codon 328 of the ACVR1 protein (p.Gly328Glu). This variant is not present in population databases (gnomAD no frequency). This missense change has been observed in individual(s) with clinical features of fibrodysplasia ossificans progressiva (PMID: 19085907, 31012264, 33973349). In at least one individual the variant was observed to be de novo. ClinVar contains an entry for this variant (Variation ID: 29595). An algorithm developed to predict the effect of missense changes on protein structure and function (PolyPhen-2) suggests that this variant is likely to be disruptive.

Institute for Genomic Medicine (IGM) Clinical Laboratory, Nationwide Children's Hospital
Classification: Tier I - Strong for Diffuse midline glioma, H3 K27M-mutant. Assertion type: diagnostic. Clinical significance: supports diagnosis. Last evaluated: 2023-01-29. Review status: criteria provided, single submitter. Criteria: AMP/ASCO/CAP Guidelines, 2017. Collection method: clinical testing. Allele origin: somatic. Affected: yes.
Comment: Variant has Tier I (strong) clinical significance as a diagnostic inclusion criterion in diffuse midline glioma, H3 K27M-mutant, based on the following evidence: 1) Documented in one or more cancer databases (e.g., St. Jude Pecan, COSMIC, CIViC, OncoKB). 2) Appears in one or more well-established professional guidelines (e.g., World Health Organization [WHO]; National Comprehensive Cancer Network [NCCN]) as providing diagnostic, prognostic, or therapeutic information. 3) Information in the literature supports potential biologic effect of variant (PMIDs: 24705254, 30833574). 4) Diagnostic for a specific tumor type/classification based on well-powered studies with expert-level consensus (Evidence Level B; PMIDs: 28966033, 24705252, 26727948, 27048880, 29967352, 34185076).

Baylor Genetics
Classification: Likely pathogenic for Progressive myositis ossificans. Last evaluated: 2018-10-12. Review status: criteria provided, single submitter. Criteria: ACMG Guidelines, 2015. Collection method: clinical testing. Allele origin: germline. Affected: yes.

Ambry Genetics
Classification: Pathogenic for Inborn genetic diseases. Last evaluated: 2016-02-08. Review status: criteria provided, single submitter. Criteria: Ambry exome assertion method (8-5-2015). Collection method: clinical testing. Allele origin: germline. Affected: yes. Observed: 1 variant allele.

OMIM
Classification: Pathogenic for FIBRODYSPLASIA OSSIFICANS PROGRESSIVA. Last evaluated: 2009-03-01. Review status: no assertion criteria provided. Collection method: literature only. Allele origin: germline. Not counted in ClinVar's aggregate classification.

Literature cited by the submitters: PubMed 24705254 (cited by Institute for Genomic Medicine (IGM) Clinical Laboratory, Nationwide Children's Hospital); PubMed 30833574 (cited by Institute for Genomic Medicine (IGM) Clinical Laboratory, Nationwide Children's Hospital); PubMed 35587280 (cited by Institute for Genomic Medicine (IGM) Clinical Laboratory, Nationwide Children's Hospital); PubMed 29307777 (cited by Labcorp Genetics (formerly Invitae), Labcorp); PubMed 19085907 (cited by 4 submitters); PubMed 31012264 (cited by Labcorp Genetics (formerly Invitae), Labcorp); PubMed 33973349 (cited by Labcorp Genetics (formerly Invitae), Labcorp); PubMed 28966033 (cited by Institute for Genomic Medicine (IGM) Clinical Laboratory, Nationwide Children's Hospital); PubMed 24705252 (cited by Institute for Genomic Medicine (IGM) Clinical Laboratory, Nationwide Children's Hospital); PubMed 26727948 (cited by Institute for Genomic Medicine (IGM) Clinical Laboratory, Nationwide Children's Hospital); PubMed 27048880 (cited by Institute for Genomic Medicine (IGM) Clinical Laboratory, Nationwide Children's Hospital); PubMed 29967352 (cited by Institute for Genomic Medicine (IGM) Clinical Laboratory, Nationwide Children's Hospital); PubMed 34185076 (cited by Institute for Genomic Medicine (IGM) Clinical Laboratory, Nationwide Children's Hospital); PubMed 22977237 (cited by Baylor Genetics and Ambry Genetics); PubMed 7068725 (cited by OMIM); PubMed 818090 (cited by OMIM); PubMed 19330033 (cited by OMIM).